The following is an entry in ClinVar:

NM_002485.5(NBN):c.1053dup (p.Leu352fs)

Gene: NBN (nibrin; minus strand). Cytogenetic location: 8q21.3.
Variant type: Duplication.
Coding change: c.1053dup on transcript NM_002485.5 (MANE Select); coding-DNA position 1053, one base duplicated (A; older notation c.1053dupA).
Protein change: p.Leu352fs; shifts the reading frame from leucine 352.
Molecular consequence: frameshift variant.
Genome position (GRCh38, 1-based): chr8:89,958,796, T duplicated on the plus strand (A on the coding strand, the reverse complement: NBN is on the minus strand); the first of 5 consecutive T bases (chr8:89,958,796-89,958,800); duplicating any one gives the same sequence. VCF-style (leftmost placement, unchanged base first): chr8-89958795-G-GT. GRCh37 (hg19) VCF-style: chr8-90971023-G-GT.
Other names: c.1053dupA (NM_002485.4); c.807dup, p.Leu270fs (NM_001024688.3); short protein forms L352fs, L270fs.
Identifiers: ClinVar variation 3298637 (VCV003298637.1).

ClinVar aggregate classification (germline): Pathogenic (1 of 4 stars; one submission).

Conditions:
Hereditary cancer-predisposing syndrome. Also called: Tumor predisposition; Hereditary Cancer Syndrome; Hereditary neoplastic syndrome; Neoplastic Syndromes, Hereditary. Identifiers: Orphanet 140162, MedGen C0027672, MeSH D009386, MONDO:0015356.

Submission:

Ambry Genetics
Classification: Pathogenic for Hereditary cancer-predisposing syndrome. Last evaluated: 2024-06-18. Review status: criteria provided, single submitter. Criteria: Ambry Variant Classification Scheme 2023. Collection method: clinical testing. Allele origin: germline.
Comment: The c.1053dupA pathogenic mutation, located in coding exon 9 of the NBN gene, results from a duplication of A at nucleotide position 1053, causing a translational frameshift with a predicted alternate stop codon (p.L352Tfs*15). This variant is considered to be rare based on population cohorts in the Genome Aggregation Database (gnomAD). This alteration is expected to result in loss of function by premature protein truncation or nonsense-mediated mRNA decay. As such, this alteration is interpreted as a disease-causing mutation.